The following is an entry in ClinVar:

ClinVar aggregate classification (germline): Likely benign. Review status: criteria provided, multiple submitters, no conflicts (2 of 4 stars). 2 submissions from 2 submitters: Likely benign (2). Last evaluated 2026-04-01.

Conditions:
Glycogen storage disease, type VI (GSD6). Also called: Hepatic glycogen phosphorylase deficiency; HERS DISEASE; PHOSPHORYLASE DEFICIENCY GLYCOGEN-STORAGE DISEASE OF LIVER; Glycogen storage disease type 6, due to phosphorylation; Glycogen storage disease type 6; GSD VI. Identifiers: Orphanet 369, MedGen C0017925, MONDO:0009294, OMIM 232700.

Allele frequency attached by ClinVar (database versions not stated): ExAC 0.00014; gnomAD 0.00014; TOPMed 0.00014; gnomAD exomes 0.00019 and 0.00038; 1000 Genomes Project 0.00020; 1000 Genomes Project 30x 0.00031; ESP Exome Variant Server 0.00031.

Submissions (2):

CeGaT Center for Human Genetics Tuebingen
Classification: Likely benign. Last evaluated: 2026-04-01. Review status: criteria provided, single submitter. Criteria: CeGaT Center For Human Genetics Tuebingen Variant Classification Criteria Version 2. Collection method: clinical testing. Allele origin: germline. Affected: yes. Observed: 2 variant alleles.
Comment: PYGL: BP4, BP7

Labcorp Genetics (formerly Invitae), Labcorp
Classification: Likely benign for Glycogen storage disease, type VI. Last evaluated: 2025-02-27. Review status: criteria provided, single submitter. Criteria: Invitae Variant Classification Sherloc (09022015). Collection method: clinical testing. Allele origin: germline.

NM_002863.5(PYGL):c.132C>T (p.Arg44=)

Gene: PYGL (glycogen phosphorylase L; minus strand). Cytogenetic location: 14q22.1.
Variant type: single nucleotide variant.
Coding change: c.132C>T on transcript NM_002863.5 (MANE Select); coding-DNA position 132, C replaced by T.
Protein change: p.Arg44=; no amino-acid change (arginine 44 retained).
Molecular consequence: synonymous variant.
Genome position (GRCh38, 1-based): chr14:50,944,272, G>A on the plus strand (C>T on the coding strand, the complement: PYGL is on the minus strand). VCF-style: chr14-50944272-G-A. GRCh37 (hg19) VCF-style: chr14-51410990-G-A.
Other names: c.132C>T, p.Arg44= (NM_001163940.2).
Identifiers: ClinVar variation 749655 (VCV000749655.36), dbSNP rs144280508, ClinGen allele CA7183903.